The following is an entry in ClinVar:

NM_001160148.2(DDHD1):c.1795G>A (p.Gly599Arg)

Gene: DDHD1 (DDHD domain containing 1; minus strand). Cytogenetic location: 14q22.1.
Variant type: single nucleotide variant.
Coding change: c.1795G>A on transcript NM_001160148.2 (MANE Select); coding-DNA position 1795, G replaced by A.
Protein change: p.Gly599Arg; replaces glycine 599 with arginine.
Molecular consequence: missense variant.
Genome position (GRCh38, 1-based): chr14:53,061,173, C>T on the plus strand (G>A on the coding strand, the complement: DDHD1 is on the minus strand). VCF-style: chr14-53061173-C-T. GRCh37 (hg19) VCF-style: chr14-53527891-C-T.
Other names: c.1816G>A, p.Gly606Arg (NM_001160147.2); c.1795G>A, p.Gly599Arg (NM_030637.3); c.1795G>A (NM_001160148.1); short protein forms G599R, G606R.
Identifiers: ClinVar variation 1912254 (VCV001912254.4), dbSNP rs766773682, ClinGen allele CA7191127.

ClinVar aggregate classification (germline): Uncertain significance. Review status: criteria provided, multiple submitters, no conflicts (2 of 4 stars). 2 submissions from 2 submitters: Uncertain significance (2). Last evaluated 2025-08-28.

Conditions:
Inborn genetic diseases. Identifiers: MedGen C0950123, MeSH D030342.
Hereditary spastic paraplegia 28. Also called: Spastic paraplegia 28, autosomal recessive. Identifiers: Orphanet 101008, MedGen C1836295, MONDO:0012256, OMIM 609340.

Allele frequency attached by ClinVar (database versions not stated): ExAC 0.00001; gnomAD 0.00002; gnomAD exomes 0.00002.
gnomAD v4.1: 32 of 1,611,180 alleles (0.002%); highest among the groups gnomAD compares: Non-Finnish European, 0.0024%; no homozygotes.

Submissions (2):

Ambry Genetics
Classification: Uncertain significance for Inborn genetic diseases. Last evaluated: 2025-08-28. Review status: criteria provided, single submitter. Criteria: Ambry Variant Classification Scheme 2023. Collection method: clinical testing. Allele origin: germline.

Labcorp Genetics (formerly Invitae), Labcorp
Classification: Uncertain significance for Hereditary spastic paraplegia 28. Last evaluated: 2022-07-27. Review status: criteria provided, single submitter. Criteria: Invitae Variant Classification Sherloc (09022015). Collection method: clinical testing. Allele origin: germline.
Comment: This sequence change replaces glycine, which is neutral and non-polar, with arginine, which is basic and polar, at codon 606 of the DDHD1 protein (p.Gly606Arg). This variant is present in population databases (rs766773682, gnomAD 0.007%). This variant has not been reported in the literature in individuals affected with DDHD1-related conditions. Algorithms developed to predict the effect of missense changes on protein structure and function (SIFT, PolyPhen-2, Align-GVGD) all suggest that this variant is likely to be tolerated. In summary, the available evidence is currently insufficient to determine the role of this variant in disease. Therefore, it has been classified as a Variant of Uncertain Significance.